The following is an entry in ClinVar:

NM_000528.4(MAN2B1):c.2104C>T (p.Arg702Cys)

Gene: MAN2B1 (mannosidase alpha class 2B member 1; minus strand). Cytogenetic location: 19p13.13.
Variant type: single nucleotide variant.
Coding change: c.2104C>T on transcript NM_000528.4 (MANE Select); coding-DNA position 2104, C replaced by T.
Protein change: p.Arg702Cys; replaces arginine 702 with cysteine.
Molecular consequence: missense variant.
Genome position (GRCh38, 1-based): chr19:12,650,165, G>A on the plus strand (C>T on the coding strand, the complement: MAN2B1 is on the minus strand). VCF-style: chr19-12650165-G-A. GRCh37 (hg19) VCF-style: chr19-12760979-G-A.
Other names: c.2101C>T, p.Arg701Cys (NM_001173498.2); short protein forms R701C, R702C.
Identifiers: ClinVar variation 888939 (VCV000888939.6), dbSNP rs988974694, ClinGen allele CA305462944.

ClinVar aggregate classification (germline): Uncertain significance. Review status: criteria provided, multiple submitters, no conflicts (2 of 4 stars). 2 submissions from 2 submitters: Uncertain significance (2). Last evaluated 2021-12-02.

Conditions:
Deficiency of alpha-mannosidase (MANSA). Also called: LYSOSOMAL ALPHA-D-MANNOSIDASE DEFICIENCY; Alpha-Mannosidosis; Mannosidosis, alpha-, types I and II. Identifiers: Orphanet 61, MedGen C0024748, MONDO:0009561, OMIM 248500.

Allele frequency attached by ClinVar (database versions not stated): gnomAD exomes 0.00001 and 0.00002; gnomAD 0.00013; TOPMed 0.00016.
gnomAD v4.1: 29 of 1,613,816 alleles (0.0018%); highest among the groups gnomAD compares: Admixed American, 0.04%; no homozygotes.

Submissions (2):

Labcorp Genetics (formerly Invitae), Labcorp
Classification: Uncertain significance for Deficiency of alpha-mannosidase. Last evaluated: 2021-12-02. Review status: criteria provided, single submitter. Criteria: Invitae Variant Classification Sherloc (09022015). Collection method: clinical testing. Allele origin: germline.
Comment: This sequence change replaces arginine, which is basic and polar, with cysteine, which is neutral and slightly polar, at codon 702 of the MAN2B1 protein (p.Arg702Cys). This variant is present in population databases (no rsID available, gnomAD 0.01%). This variant has not been reported in the literature in individuals affected with MAN2B1-related conditions. ClinVar contains an entry for this variant (Variation ID: 888939). Algorithms developed to predict the effect of missense changes on protein structure and function are either unavailable or do not agree on the potential impact of this missense change (SIFT: "Deleterious"; PolyPhen-2: "Probably Damaging"; Align-GVGD: "Class C0"). In summary, the available evidence is currently insufficient to determine the role of this variant in disease. Therefore, it has been classified as a Variant of Uncertain Significance.

Illumina Laboratory Services, Illumina
Classification: Uncertain significance for Deficiency of alpha-mannosidase. Last evaluated: 2018-01-13. Review status: criteria provided, single submitter. Criteria: ICSL Variant Classification Criteria 13 December 2019. Collection method: clinical testing. Allele origin: germline.